The following is an entry in ClinVar:

ClinVar aggregate classification (germline): Likely pathogenic. Review status: criteria provided, multiple submitters, no conflicts (2 of 4 stars). 2 submissions from 2 submitters: Likely pathogenic (2). Last evaluated 2025-09-03.

Conditions:
Telangiectasia, hereditary hemorrhagic, type 2 (HHT2). Also called: Telangiectasia, hereditary hemorrhagic, type II; ACVRL1-Related Hereditary Hemorrhagic Telangiectasia. Identifiers: Orphanet 774, MedGen C1838163, MONDO:0010880, OMIM 600376. Disease mechanism: loss of function.

Submissions (2):

GeneDx
Classification: Likely pathogenic. Last evaluated: 2025-09-03. Review status: criteria provided, single submitter. Criteria: GeneDx Variant Classification Process June 2021. Collection method: clinical testing. Allele origin: germline. Affected: yes.
Comment: Reported in association with HHT in published literature (PMID: 32503579); Canonical splice site variant predicted to result in a null allele in a gene for which loss of function is a known mechanism of disease; Not observed at significant frequency in large population cohorts (gnomAD); This variant is associated with the following publications: (PMID: 32503579)

Labcorp Genetics (formerly Invitae), Labcorp
Classification: Likely pathogenic for Telangiectasia, hereditary hemorrhagic, type 2. Last evaluated: 2023-02-11. Review status: criteria provided, single submitter. Criteria: Invitae Variant Classification Sherloc (09022015). Collection method: clinical testing. Allele origin: germline.
Comment: This sequence change affects a donor splice site in intron 2 of the ACVRL1 gene. It is expected to disrupt RNA splicing. Variants that disrupt the donor or acceptor splice site typically lead to a loss of protein function (PMID: 16199547), and loss-of-function variants in ACVRL1 are known to be pathogenic (PMID: 15879500). In summary, the currently available evidence indicates that the variant is pathogenic, but additional data are needed to prove that conclusively. Therefore, this variant has been classified as Likely Pathogenic. Algorithms developed to predict the effect of sequence changes on RNA splicing suggest that this variant may disrupt the consensus splice site. Disruption of this splice site has been observed in individual(s) with hereditary hemorrhagic telangiectasia (PMID: 32503579). This variant is not present in population databases (gnomAD no frequency).

Literature cited by the submitters: PubMed 16199547 (cited by Labcorp Genetics (formerly Invitae), Labcorp); PubMed 15879500 (cited by Labcorp Genetics (formerly Invitae), Labcorp); PubMed 32503579 (cited by Labcorp Genetics (formerly Invitae), Labcorp).

NM_000020.3(ACVRL1):c.61+1G>T

Gene: ACVRL1 (activin A receptor like type 1; plus strand). Cytogenetic location: 12q13.13.
Variant type: single nucleotide variant.
Coding change: c.61+1G>T on transcript NM_000020.3 (MANE Select); the canonical splice donor site of the intron after coding-DNA position 61, G replaced by T.
Molecular consequence: splice donor variant.
Genome position (GRCh38, 1-based): chr12:51,912,536, G>T. VCF-style: chr12-51912536-G-T. GRCh37 (hg19) VCF-style: chr12-52306320-G-T.
Other names: c.61+1G>T (NM_001406487.1, NM_001406491.1, NM_001406488.1 and 7 more transcripts).
Identifiers: ClinVar variation 2136051 (VCV002136051.5), dbSNP rs763785885, ClinGen allele CA384896767.